The following is an entry in ClinVar:

NM_032608.7(MYO18B):c.3296C>G (p.Thr1099Arg)

Gene: MYO18B (myosin XVIIIB; plus strand). Cytogenetic location: 22q12.1.
Variant type: single nucleotide variant.
Coding change: c.3296C>G on transcript NM_032608.7 (MANE Select); coding-DNA position 3296, C replaced by G.
Protein change: p.Thr1099Arg; replaces threonine 1099 with arginine.
Molecular consequence: missense variant.
Genome position (GRCh38, 1-based): chr22:25,843,822, C>G. VCF-style: chr22-25843822-C-G. GRCh37 (hg19) VCF-style: chr22-26239789-C-G.
Other names: c.3299C>G, p.Thr1100Arg (NM_001318245.2); short protein forms T1099R, T1100R.
Identifiers: ClinVar variation 1968242 (VCV001968242.5), dbSNP rs147821283, ClinGen allele CA410997971.
Genomic context (GRCh38, chr22:25,843,822, plus strand): 5'-AGCCCCTCCAGTGTGAGATTTTCCACCAGTTGGGATGGGACCCTGTGCGGTACGACCTCA[C>G]GGGCTGGCTCCACAGAGCCAAGCCCAACCTCTCGGCCCTGGATGCACCCCAGGTCCTGCA-3'
Protein context (NP_115997.5, residues 1089-1109): LGWDPVRYDL[Thr1099Arg]GWLHRAKPNL

ClinVar aggregate classification (germline): Uncertain significance (1 of 4 stars; one submission).

gnomAD v4.1: 1 of 1,613,802 alleles (0.000062%); highest among the groups gnomAD compares: Non-Finnish European, 0.000085%; no homozygotes.

Submission:

Labcorp Genetics (formerly Invitae), Labcorp
Classification: Uncertain significance. Last evaluated: 2022-06-04. Review status: criteria provided, single submitter. Criteria: Invitae Variant Classification Sherloc (09022015). Collection method: clinical testing. Allele origin: germline.
Comment: This variant is not present in population databases (gnomAD no frequency). This variant has not been reported in the literature in individuals affected with MYO18B-related conditions. Algorithms developed to predict the effect of missense changes on protein structure and function are either unavailable or do not agree on the potential impact of this missense change (SIFT: "Not Available"; PolyPhen-2: "Possibly Damaging"; Align-GVGD: "Not Available"). In summary, the available evidence is currently insufficient to determine the role of this variant in disease. Therefore, it has been classified as a Variant of Uncertain Significance. This sequence change replaces threonine, which is neutral and polar, with arginine, which is basic and polar, at codon 1099 of the MYO18B protein (p.Thr1099Arg).